The following is an entry in ClinVar:

ClinVar aggregate classification (germline): Uncertain significance (1 of 4 stars; one submission).

Conditions:
Cardiovascular phenotype. Identifiers: MedGen CN230736.

gnomAD v4.1: 1 of 1,613,908 alleles (0.000062%); highest among the groups gnomAD compares: Admixed American, 0.0017%; no homozygotes.

Submission:

Ambry Genetics
Classification: Uncertain significance for Cardiovascular phenotype. Last evaluated: 2025-03-22. Review status: criteria provided, single submitter. Criteria: Ambry Variant Classification Scheme 2023. Collection method: clinical testing. Allele origin: germline.
Comment: The p.E74D variant (also known as c.222A>C), located in coding exon 3 of the ANK2 gene, results from an A to C substitution at nucleotide position 222. The glutamic acid at codon 74 is replaced by aspartic acid, an amino acid with highly similar properties. This amino acid position is highly conserved in available vertebrate species. In addition, this alteration is predicted to be tolerated by in silico analysis. According to data from gnomAD, the frequency for this variant is above the maximum credible frequency for a cardiac disease-causing variant in this gene based on internally established thresholds (Karczewski et al. Nature. 2020 May;581(7809):434-443; Whiffin et al. Genet Med. 2017 10;19:1151-1158). Based on the supporting evidence, the association of this alteration with ANK2-related neurodevelopmental disorder is unknown; however, the association with ANK2-related arrhythmia is unlikely.

NM_001148.6(ANK2):c.222A>C (p.Glu74Asp)

Gene: ANK2 (ankyrin 2; plus strand). Cytogenetic location: 4q25.
Variant type: single nucleotide variant.
Coding change: c.222A>C on transcript NM_001148.6 (MANE Select); coding-DNA position 222, A replaced by C.
Protein change: p.Glu74Asp; replaces glutamic acid 74 with aspartic acid.
Molecular consequence: missense variant.
Genome position (GRCh38, 1-based): chr4:113,196,403, A>C. VCF-style: chr4-113196403-A-C. GRCh37 (hg19) VCF-style: chr4-114117559-A-C.
Other names: c.159A>C, p.Glu53Asp (NM_001127493.3, NM_001354239.2, NM_001354243.2 and 33 more transcripts); c.222A>C, p.Glu74Asp (NM_001354225.2, NM_001354228.2, NM_001354232.2 and 9 more transcripts); c.267A>C, p.Glu89Asp (NM_001354230.2, NM_001354231.2, NM_001354237.2 and 5 more transcripts); c.204A>C, p.Glu68Asp (NM_001354261.2, NM_001386147.1, NM_001386160.1); c.210A>C, p.Glu70Asp (NM_001354269.3, NM_001386148.2, NM_001386186.2 and 1 more transcripts); c.273A>C, p.Glu91Asp (NM_001386174.1, NM_001386175.1); short protein forms E68D, E74D, E89D, E70D, E91D, E53D.
Identifiers: ClinVar variation 4050764 (VCV004050764.1).